The following is an entry in ClinVar:

NM_005027.4(PIK3R2):c.1458G>C (p.Glu486Asp)

Gene: PIK3R2 (phosphoinositide-3-kinase regulatory subunit 2; plus strand). Cytogenetic location: 19p13.11.
Variant type: single nucleotide variant.
Coding change: c.1458G>C on transcript NM_005027.4 (MANE Select); coding-DNA position 1458, G replaced by C.
Protein change: p.Glu486Asp; replaces glutamic acid 486 with aspartic acid.
Molecular consequence: missense variant. On other transcripts: non-coding transcript variant (2).
Genome position (GRCh38, 1-based): chr19:18,166,201, G>C. VCF-style: chr19-18166201-G-C. GRCh37 (hg19) VCF-style: chr19-18277011-G-C.
Other names: short protein forms E486D.
Identifiers: ClinVar variation 1303803 (VCV001303803.2), dbSNP rs2147956452, ClinGen allele CA404812141.
Genomic context (GRCh38, chr19:18,166,201, plus strand): 5'-GCTGCGCCCCCTCCTCCAGGAGCTGCAGATGAAGCGTACTGCAATTGAGGCCTTCAATGA[G>C]ACTATCAAGATCTTTGAAGAGCAGGGCCAGACTCAAGAGAAATGCAGCAAGGAATACCTG-3'
Protein context (NP_005018.2, residues 476-496): MKRTAIEAFN[Glu486Asp]TIKIFEEQGQ

ClinVar aggregate classification (germline): Uncertain significance (1 of 4 stars; one submission).

Submission:

GeneDx
Classification: Uncertain significance. Last evaluated: 2020-03-18. Review status: criteria provided, single submitter. Criteria: GeneDx Variant Classification Process June 2021. Collection method: clinical testing. Allele origin: germline. Affected: yes.
Comment: Not observed in large population cohorts (Lek et al., 2016); In silico analysis supports that this missense variant has a deleterious effect on protein structure/function; Has not been previously published as pathogenic or benign to our knowledge